The following is an entry in ClinVar:

NM_004991.4(MECOM):c.3472A>C (p.Lys1158Gln)

Gene: MECOM (MDS1 and EVI1 complex locus; minus strand). Cytogenetic location: 3q26.2.
Variant type: single nucleotide variant.
Coding change: c.3472A>C on transcript NM_004991.4 (MANE Select); coding-DNA position 3472, A replaced by C.
Protein change: p.Lys1158Gln; replaces lysine 1158 with glutamine.
Molecular consequence: missense variant.
Genome position (GRCh38, 1-based): chr3:169,089,113, T>G on the plus strand (A>C on the coding strand, the complement: MECOM is on the minus strand). VCF-style: chr3-169089113-T-G. GRCh37 (hg19) VCF-style: chr3-168806901-T-G.
Other names: c.3103A>C, p.Lys1035Gln (NM_001105077.4); c.2908A>C, p.Lys970Gln (NM_001105078.4, NM_001205194.2, NM_001366469.2 and 1 more transcripts); c.2884A>C, p.Lys962Gln (NM_001163999.2, NM_001366470.2); c.2881A>C, p.Lys961Gln (NM_001164000.2, NM_001366471.2, NM_001366472.2); c.3445A>C, p.Lys1149Gln (NM_001366466.2); c.2911A>C, p.Lys971Gln (NM_001366467.2, NM_001366468.2); c.2473A>C, p.Lys825Gln (NM_001366473.2); c.1909A>C, p.Lys637Gln (NM_001366474.2); short protein forms K1035Q, K637Q, K961Q, K1149Q, K962Q, K970Q, K971Q, K1158Q.
Identifiers: ClinVar variation 3871622 (VCV003871622.1).

ClinVar aggregate classification (germline): Uncertain significance (1 of 4 stars; one submission).

Conditions:
Inborn genetic diseases. Identifiers: MedGen C0950123, MeSH D030342.

Submission:

Ambry Genetics
Classification: Uncertain significance for Inborn genetic diseases. Last evaluated: 2024-12-16. Review status: criteria provided, single submitter. Criteria: Ambry Variant Classification Scheme 2023. Collection method: clinical testing. Allele origin: germline.
Comment: The p.K1158Q variant (also known as c.3472A>C), located in coding exon 16 of the MECOM gene, results from an A to C substitution at nucleotide position 3472. The lysine at codon 1158 is replaced by glutamine, an amino acid with similar properties. This amino acid position is conserved. In addition, this alteration is predicted to be tolerated by in silico analysis. Based on the available evidence, the clinical significance of this variant remains unclear.